The following is an entry in ClinVar:

NM_005360.5(MAF):c.1050G>A (p.Lys350=)

Gene: MAF (MAF bZIP transcription factor; minus strand). Cytogenetic location: 16q23.2.
Variant type: single nucleotide variant.
Coding change: c.1050G>A on transcript NM_005360.5 (MANE Select); coding-DNA position 1050, G replaced by A.
Protein change: p.Lys350=; no amino-acid change (lysine 350 retained).
Molecular consequence: synonymous variant.
Genome position (GRCh38, 1-based): chr16:79,598,853, C>T on the plus strand (G>A on the coding strand, the complement: MAF is on the minus strand). VCF-style: chr16-79598853-C-T. GRCh37 (hg19) VCF-style: chr16-79632750-C-T.
Other names: c.1050G>A, p.Lys350= (NM_001031804.3).
Identifiers: ClinVar variation 2581292 (VCV002581292.1), dbSNP rs1324944285, ClinGen allele CA496508828.

ClinVar aggregate classification (germline): Uncertain significance (1 of 4 stars; one submission).

Allele frequency attached by ClinVar (database versions not stated): TOPMed below 0.00001.

Submission:

Women's Health and Genetics/Laboratory Corporation of America, LabCorp
Classification: Uncertain significance. Last evaluated: 2023-08-22. Review status: criteria provided, single submitter. Criteria: LabCorp Variant Classification Summary - May 2015. Collection method: clinical testing. Allele origin: germline.
Comment: Variant summary: MAF c.1050G>A alters a conserved nucleotide resulting in a synonymous change. Some computational tools predict a significant impact on normal splicing: Two predict the variant strengthens a cryptic 5' splicing donor site, and two predict the variant has no significant impact on splicing. However, these predictions have yet to be confirmed by functional studies. The variant was absent in 251368 control chromosomes (gnomAD). The available data on variant occurrences in the general population are insufficient to allow any conclusion about variant significance. To our knowledge, no occurrence of c.1050G>A in individuals affected with MAF-Related Disorders and no experimental evidence demonstrating its impact on protein function have been reported. No submitters have cited clinical-significance assessments for this variant to ClinVar after 2014. Based on the evidence outlined above, the variant was classified as uncertain significance.